The following is an entry in ClinVar:

NM_019892.6(INPP5E):c.208A>G (p.Ile70Val)

Gene: INPP5E (inositol polyphosphate-5-phosphatase E; minus strand). Cytogenetic location: 9q34.3.
Variant type: single nucleotide variant.
Coding change: c.208A>G on transcript NM_019892.6 (MANE Select); coding-DNA position 208, A replaced by G.
Protein change: p.Ile70Val; replaces isoleucine 70 with valine.
Molecular consequence: missense variant.
Genome position (GRCh38, 1-based): chr9:136,439,212, T>C on the plus strand (A>G on the coding strand, the complement: INPP5E is on the minus strand). VCF-style: chr9-136439212-T-C. GRCh37 (hg19) VCF-style: chr9-139333664-T-C.
Other names: c.208A>G, p.Ile70Val (NM_001318502.2); short protein forms I70V.
Identifiers: ClinVar variation 1044417 (VCV001044417.6), dbSNP rs1202573963, ClinGen allele CA375570624.
Genomic context (GRCh38, chr9:136,439,212, plus strand): 5'-CCTTGTCGTCCAGGGACAGGGCTCGCTCCAGTCGAGGCCTGGCGGGGGGCCGCGGGGCGA[T>C]GGGTGCTGCTCGGGCTGGCGGGTCCTCGCCGCTGGGCGTGGCCGGAGTGCTGCAGGCAAG-3'
Protein context (NP_063945.2, residues 60-80): GEDPPARAAP[Ile70Val]APRPPARPRL

ClinVar aggregate classification (germline): Uncertain significance (1 of 4 stars; one submission).

Conditions:
Joubert syndrome. Also called: Familial aplasia of the vermis; CEREBELLOPARENCHYMAL DISORDER IV; JOUBERT-BOLTSHAUSER SYNDROME. Identifiers: Orphanet 475, MedGen C5979921, MONDO:0018772.

Allele frequency attached by ClinVar (database versions not stated): gnomAD exomes 0.00001.

Submission:

Labcorp Genetics (formerly Invitae), Labcorp
Classification: Uncertain significance for Joubert syndrome. Last evaluated: 2021-08-26. Review status: criteria provided, single submitter. Criteria: Invitae Variant Classification Sherloc (09022015). Collection method: clinical testing. Allele origin: germline.
Comment: This sequence change replaces isoleucine with valine at codon 70 of the INPP5E protein (p.Ile70Val). The isoleucine residue is weakly conserved and there is a small physicochemical difference between isoleucine and valine. The frequency data for this variant in the population databases is considered unreliable, as metrics indicate insufficient coverage at this position in the ExAC database. This variant has not been reported in the literature in individuals affected with INPP5E-related conditions. Algorithms developed to predict the effect of missense changes on protein structure and function output the following: SIFT: "Tolerated"; PolyPhen-2: "Benign"; Align-GVGD: "Class C0". The valine amino acid residue is found in multiple mammalian species, which suggests that this missense change does not adversely affect protein function. In summary, the available evidence is currently insufficient to determine the role of this variant in disease. Therefore, it has been classified as a Variant of Uncertain Significance.